The following is an entry in ClinVar:

NM_000548.5(TSC2):c.4881del (p.Lys1628fs)

Gene: TSC2 (TSC complex subunit 2; plus strand). Cytogenetic location: 16p13.3.
Variant type: Deletion.
Coding change: c.4881del on transcript NM_000548.5 (MANE Select); coding-DNA position 4881, one base deleted (C; older notation c.4881delC).
Protein change: p.Lys1628fs; shifts the reading frame from lysine 1628.
Molecular consequence: frameshift variant.
Genome position (GRCh38, 1-based): chr16:2,086,763, C deleted; the last of 2 consecutive C bases (chr16:2,086,762-2,086,763); deleting either gives the same sequence. VCF-style (leftmost placement, unchanged base first): chr16-2086761-AC-A. GRCh37 (hg19) VCF-style: chr16-2136762-AC-A.
Other names: c.4680del, p.Lys1561fs (NM_001077183.3); c.4812del, p.Lys1605fs (NM_001114382.3); c.4572del, p.Lys1525fs (NM_001318827.2); c.4536del, p.Lys1513fs (NM_001318829.2); c.4149del, p.Lys1384fs (NM_001318831.2); c.4713del, p.Lys1572fs (NM_001318832.2); c.4683del, p.Lys1562fs (NM_001363528.2); c.4749del, p.Lys1584fs (NM_001370404.1); and 1 more; short protein forms K1561fs, K1562fs, K1628fs, K1384fs, K1513fs, K1525fs, K1572fs, K1584fs.
Identifiers: ClinVar variation 419103 (VCV000419103.2), dbSNP rs1064793646, ClinGen allele CA16620102.

ClinVar aggregate classification (germline): Pathogenic (1 of 4 stars; one submission).

Submission:

GeneDx
Classification: Pathogenic. Last evaluated: 2015-05-18. Review status: criteria provided, single submitter. Criteria: GeneDx Variant Classification (06012015). Collection method: clinical testing. Allele origin: germline. Affected: yes.
Comment: The c.4881delC deletion in the TSC2 gene causes a frameshift starting with codon Lysine 1628, changesthis amino acid to an Arginine residue and creates a premature Stop codon at position 44 of the newreading frame, denoted p.K1628RfsX44. This variant is predicted to cause loss of normal protein functioneither through protein truncation or nonsense-mediated mRNA decay. It was not observed inapproximately 6,500 individuals of European and African American ancestry in the NHLBI ExomeSequencing Project. Although this variant has not been previously reported to our knowledge, we consider it to be pathogenic.